The following is an entry in ClinVar:

ClinVar aggregate classification (germline): Benign/Likely benign. Review status: criteria provided, multiple submitters, no conflicts (2 of 4 stars). 3 submissions from 3 submitters: Benign (1); Likely benign (1). 1 of the submissions does not count toward it. Last evaluated 2024-02-14.

Conditions:
UPF3B-related disorder. Also called: UPF3B-related condition.
Inborn genetic diseases. Identifiers: MedGen C0950123, MeSH D030342.
Intellectual developmental disorder, X-linked, syndromic 14. Also called: Syndromic X-linked intellectual disability 14. Identifiers: Orphanet 776, MedGen C1970822, MONDO:0010398, OMIM 300676.

Allele frequency attached by ClinVar (database versions not stated): TOPMed 0.00001; gnomAD 0.00002; gnomAD exomes 0.00001; ExAC 0.00001.
gnomAD v4.1: 8 of 1,211,193 alleles (0.00066%); highest among the groups gnomAD compares: East Asian, 0.018%; no homozygotes.

Submissions (3):

Labcorp Genetics (formerly Invitae), Labcorp
Classification: Benign for Intellectual developmental disorder, X-linked, syndromic 14. Last evaluated: 2024-02-14. Review status: criteria provided, single submitter. Criteria: Invitae Variant Classification Sherloc (09022015). Collection method: clinical testing. Allele origin: germline.

Ambry Genetics
Classification: Likely benign for Inborn genetic diseases. Last evaluated: 2018-06-20. Review status: criteria provided, single submitter. Criteria: Ambry Variant Classification Scheme 2023. Collection method: clinical testing. Allele origin: germline.

PreventionGenetics, part of Exact Sciences
Classification: Likely benign for UPF3B-related condition. Last evaluated: 2020-05-22. Review status: no assertion criteria provided. Collection method: clinical testing. Allele origin: germline. Not counted in ClinVar's aggregate classification.
Comment: This variant is classified as likely benign based on ACMG/AMP sequence variant interpretation guidelines (Richards et al. 2015 PMID: 25741868, with internal and published modifications).

NM_080632.3(UPF3B):c.93G>A (p.Gly31=)

Gene: UPF3B (UPF3B regulator of nonsense mediated mRNA decay; minus strand). Cytogenetic location: Xq24.
Variant type: single nucleotide variant.
Coding change: c.93G>A on transcript NM_080632.3 (MANE Select); coding-DNA position 93, G replaced by A.
Protein change: p.Gly31=; no amino-acid change (glycine 31 retained).
Molecular consequence: synonymous variant.
Genome position (GRCh38, 1-based): chrX:119,852,836, C>T on the plus strand (G>A on the coding strand, the complement: UPF3B is on the minus strand). VCF-style: chrX-119852836-C-T. GRCh37 (hg19) VCF-style: chrX-118986799-C-T.
Other names: c.93G>A, p.Gly31= (NM_023010.4).
Identifiers: ClinVar variation 1766836 (VCV001766836.7), dbSNP rs750093901, ClinGen allele CA10503384.
Genomic context (GRCh38, chrX:119,852,836, plus strand): 5'-GCTCAGCGCTTCTTTCTTCTCCTTGTTGCGATCCTGCTTATCTTCCCCCTTGGAGCTGTC[C>T]CCCGAGGTCCCACCACCGCTGCCTGTGGCCCCGGCGGGGGTTAACAGGGTTACTCGCTTC-3'
Protein context (NP_542199.1, residues 21-41): GATGSGGGTS[Gly31=]DSSKGEDKQD